The following is an entry in ClinVar:

NM_030665.4(RAI1):c.1426C>T (p.His476Tyr)

Gene: RAI1 (retinoic acid induced 1; plus strand). Cytogenetic location: 17p11.2.
Variant type: single nucleotide variant.
Coding change: c.1426C>T on transcript NM_030665.4 (MANE Select); coding-DNA position 1426, C replaced by T.
Protein change: p.His476Tyr; replaces histidine 476 with tyrosine.
Molecular consequence: missense variant.
Genome position (GRCh38, 1-based): chr17:17,794,374, C>T. VCF-style: chr17-17794374-C-T. GRCh37 (hg19) VCF-style: chr17-17697688-C-T.
Other names: short protein forms H476Y.
Identifiers: ClinVar variation 3345180 (VCV003345180.3).

ClinVar aggregate classification (germline): Uncertain significance. Review status: criteria provided, single submitter (1 of 4 stars). 2 submissions from 2 submitters: Uncertain significance (1). 1 of the submissions does not count toward it. Last evaluated 2024-04-29.

Conditions:
RAI1-related disorder. Also called: RAI1-related condition.

gnomAD v4.1: 2 of 1,613,142 alleles (0.00012%); highest among the groups gnomAD compares: Non-Finnish European, 0.00017%; no homozygotes.

Submissions (2):

Labcorp Genetics (formerly Invitae), Labcorp
Classification: Uncertain significance. Last evaluated: 2024-04-29. Review status: criteria provided, single submitter. Criteria: Invitae Variant Classification Sherloc (09022015). Collection method: clinical testing. Allele origin: germline.
Comment: This sequence change replaces histidine, which is basic and polar, with tyrosine, which is neutral and polar, at codon 476 of the RAI1 protein (p.His476Tyr). This variant is present in population databases (no rsID available, gnomAD 0.007%). This variant has not been reported in the literature in individuals affected with RAI1-related conditions. Advanced modeling of protein sequence and biophysical properties (such as structural, functional, and spatial information, amino acid conservation, physicochemical variation, residue mobility, and thermodynamic stability) performed at Invitae indicates that this missense variant is not expected to disrupt RAI1 protein function with a negative predictive value of 80%. In summary, the available evidence is currently insufficient to determine the role of this variant in disease. Therefore, it has been classified as a Variant of Uncertain Significance.

PreventionGenetics, part of Exact Sciences
Classification: Uncertain significance for RAI1-related condition. Last evaluated: 2024-04-03. Review status: no assertion criteria provided. Collection method: clinical testing. Allele origin: germline. Not counted in ClinVar's aggregate classification.
Comment: The RAI1 c.1426C>T variant is predicted to result in the amino acid substitution p.His476Tyr. To our knowledge, this variant has not been reported in the literature. This variant is reported in 0.0065% of alleles in individuals of European (Non-Finnish) descent in gnomAD. At this time, the clinical significance of this variant is uncertain due to the absence of conclusive functional and genetic evidence.